The following is an entry in ClinVar:

NM_001006630.2(CHRM2):c.1113G>C (p.Gln371His)

Genes: CHRM2 (cholinergic receptor muscarinic 2; plus strand), LOC349160 (uncharacterized LOC349160; minus strand). Cytogenetic location: 7q33.
Variant type: single nucleotide variant.
Coding change: c.1113G>C on transcript NM_001006630.2 (MANE Select); coding-DNA position 1113, G replaced by C.
Protein change: p.Gln371His; replaces glutamine 371 with histidine.
Molecular consequence: missense variant.
Genome position (GRCh38, 1-based): chr7:137,015,978, G>C. VCF-style: chr7-137015978-G-C. GRCh37 (hg19) VCF-style: chr7-136700725-G-C.
Other names: c.1113G>C (NM_000739.2); c.1113G>C, p.Gln371His (NM_000739.3, NM_001006626.3, NM_001006627.3 and 6 more transcripts); short protein forms Q371H.
Identifiers: ClinVar variation 1017443 (VCV001017443.9), dbSNP rs1237014805, ClinGen allele CA369487994.

ClinVar aggregate classification (germline): Uncertain significance. Review status: criteria provided, multiple submitters, no conflicts (2 of 4 stars). 2 submissions from 2 submitters: Uncertain significance (2). Last evaluated 2024-12-10.

Allele frequency attached by ClinVar (database versions not stated): gnomAD exomes below 0.00001 and 0.00001.
gnomAD v4.1: 6 of 1,613,122 alleles (0.00037%); highest among the groups gnomAD compares: Non-Finnish European, 0.00025%; no homozygotes.

Submissions (2):

Ambry Genetics
Classification: Uncertain significance. Last evaluated: 2024-12-10. Review status: criteria provided, single submitter. Criteria: Ambry Variant Classification Scheme 2023. Collection method: clinical testing. Allele origin: germline.

Labcorp Genetics (formerly Invitae), Labcorp
Classification: Uncertain significance. Last evaluated: 2020-06-13. Review status: criteria provided, single submitter. Criteria: Invitae Variant Classification Sherloc (09022015). Collection method: clinical testing. Allele origin: germline.
Comment: In summary, the available evidence is currently insufficient to determine the role of this variant in disease. Therefore, it has been classified as a Variant of Uncertain Significance. Algorithms developed to predict the effect of missense changes on protein structure and function (SIFT, PolyPhen-2, Align-GVGD) all suggest that this variant is likely to be tolerated, but these predictions have not been confirmed by published functional studies and their clinical significance is uncertain. This variant has not been reported in the literature in individuals with CHRM2-related conditions. This variant is not present in population databases (ExAC no frequency). This sequence change replaces glutamine with histidine at codon 371 of the CHRM2 protein (p.Gln371His). The glutamine residue is moderately conserved and there is a small physicochemical difference between glutamine and histidine.